The following is an entry in ClinVar:

ClinVar aggregate classification (germline): Uncertain significance (1 of 4 stars; one submission).

Submission:

GeneDx
Classification: Uncertain significance. Last evaluated: 2024-12-02. Review status: criteria provided, single submitter. Criteria: GeneDx Variant Classification Process June 2021. Collection method: clinical testing. Allele origin: germline. Affected: yes.
Comment: Not observed at significant frequency in large population cohorts (gnomAD); In silico analysis supports that this missense variant has a deleterious effect on protein structure/function; Has not been previously published as pathogenic or benign to our knowledge

NM_001242896.3(DEPDC5):c.2428G>T (p.Gly810Cys)

Gene: DEPDC5 (DEP domain containing 5, GATOR1 subcomplex subunit; plus strand). Cytogenetic location: 22q12.3.
Variant type: single nucleotide variant.
Coding change: c.2428G>T on transcript NM_001242896.3 (MANE Select); coding-DNA position 2428, G replaced by T.
Protein change: p.Gly810Cys; replaces glycine 810 with cysteine.
Molecular consequence: missense variant. On other transcripts: non-coding transcript variant (5).
Genome position (GRCh38, 1-based): chr22:31,838,758, G>T. VCF-style: chr22-31838758-G-T. GRCh37 (hg19) VCF-style: chr22-32234744-G-T.
Other names: c.2194G>T, p.Gly732Cys (NM_001364319.2, NM_001242897.2, NM_001363854.2); c.2428G>T, p.Gly810Cys (NM_001364320.2, NM_001363852.2, NM_001364318.2); c.2344G>T, p.Gly782Cys (NM_001369901.1, NM_001369902.1); c.2401G>T, p.Gly801Cys (NM_001369903.1, NM_014662.6, NM_001136029.4); short protein forms G732C, G782C, G801C, G810C.
Identifiers: ClinVar variation 3900880 (VCV003900880.1).
Genomic context (GRCh38, chr22:31,838,758, plus strand): 5'-GGTGTGCAGATGACAGCCCAGCAGGTATTTGAAGAGTTTATTTGCCAACGTCTCATGCAG[G>T]GCTACCAAATCATAGTGCAGCCCAAGACACAGAAACCCAATCCTGCTGTCCCGCCCCCGC-3'
Protein context (NP_001229825.1, residues 800-820): EEFICQRLMQ[Gly810Cys]YQIIVQPKTQ